The following is an entry in ClinVar:

NM_006929.5(SKIC2):c.1397G>A (p.Trp466Ter)

Gene: SKIC2 (SKI2 subunit of superkiller complex; plus strand). Cytogenetic location: 6p21.33.
Variant type: single nucleotide variant.
Coding change: c.1397G>A on transcript NM_006929.5 (MANE Select); coding-DNA position 1397, G replaced by A.
Protein change: p.Trp466Ter; replaces tryptophan 466 with a stop codon.
Molecular consequence: nonsense.
Genome position (GRCh38, 1-based): chr6:31,963,085, G>A. VCF-style: chr6-31963085-G-A. GRCh37 (hg19) VCF-style: chr6-31930862-G-A.
Other names: short protein forms W466*.
Identifiers: ClinVar variation 5007019 (VCV005007019.2).

ClinVar aggregate classification (germline): Likely pathogenic (1 of 4 stars; one submission).

Conditions:
Trichohepatoenteric syndrome 2 (THES2). Identifiers: Orphanet 84064, MedGen C3281289, MONDO:0013818, OMIM 614602.

Submission:

Juno Genomics, Hangzhou Juno Genomics, Inc
Classification: Likely pathogenic for Trichohepatoenteric syndrome 2. Review status: criteria provided, single submitter. Criteria: ACMG Guidelines, 2015. Collection method: clinical testing. Allele origin: germline.
Comment: Null variant in a gene where loss of function (LOF) is a known mechanism of disease.;Absent from controls (or at extremely low frequency if recessive) in Genome Aggregation Database.